The following is an entry in ClinVar:

ClinVar aggregate classification (germline): Uncertain significance (1 of 4 stars; one submission).

Submission:

Labcorp Genetics (formerly Invitae), Labcorp
Classification: Uncertain significance. Last evaluated: 2022-03-27. Review status: criteria provided, single submitter. Criteria: Invitae Variant Classification Sherloc (09022015). Collection method: clinical testing. Allele origin: germline.
Comment: Algorithms developed to predict the effect of missense changes on protein structure and function (SIFT, PolyPhen-2, Align-GVGD) all suggest that this variant is likely to be disruptive. This sequence change replaces tryptophan, which is neutral and slightly polar, with cysteine, which is neutral and slightly polar, at codon 51 of the TMEM38B protein (p.Trp51Cys). This variant is not present in population databases (gnomAD no frequency). This variant has not been reported in the literature in individuals affected with TMEM38B-related conditions. In summary, the available evidence is currently insufficient to determine the role of this variant in disease. Therefore, it has been classified as a Variant of Uncertain Significance.

NM_018112.3(TMEM38B):c.153G>T (p.Trp51Cys)

Gene: TMEM38B (transmembrane protein 38B; plus strand). Cytogenetic location: 9q31.2.
Variant type: single nucleotide variant.
Coding change: c.153G>T on transcript NM_018112.3 (MANE Select); coding-DNA position 153, G replaced by T.
Protein change: p.Trp51Cys; replaces tryptophan 51 with cysteine.
Molecular consequence: missense variant.
Genome position (GRCh38, 1-based): chr9:105,705,637, G>T. VCF-style: chr9-105705637-G-T. GRCh37 (hg19) VCF-style: chr9-108467918-G-T.
Other names: short protein forms W51C.
Identifiers: ClinVar variation 1972209 (VCV001972209.5), dbSNP rs2540027336, ClinGen allele CA374378636.
Genomic context (GRCh38, chr9:105,705,637, plus strand): 5'-ATTTTACTTTACCATTTCAGGAGCAGCTGCATTGGCATGGAAGAATCCTATTTCAAGCTG[G>T]TTTACTGCTATGCTCCACTGTTTTGGTGGAGGAATTTTATCCTGTCTACTGCTTGCAGAG-3'
Protein context (NP_060582.1, residues 41-61): ALAWKNPISS[Trp51Cys]FTAMLHCFGG